The following is an entry in ClinVar:

ClinVar aggregate classification (germline): Uncertain significance (1 of 4 stars; one submission).

Conditions:
Distal myopathy with posterior leg and anterior hand involvement. Also called: WILLIAMS DISTAL MYOPATHY. Identifiers: Orphanet 63273, MedGen C3279722, MONDO:0013550, OMIM 614065.
Myofibrillar myopathy 5. Also called: Filaminopathy (type); FILAMINOPATHY, AUTOSOMAL DOMINANT. Identifiers: Orphanet 171445, MedGen C1836050, MONDO:0012289, OMIM 609524.
Hypertrophic cardiomyopathy 26. Also called: Cardiomyopathy, familial hypertrophic, 26. Identifiers: Orphanet 75249, MedGen C4310749, MONDO:0014883, OMIM 617047.

Submission:

Labcorp Genetics (formerly Invitae), Labcorp
Classification: Uncertain significance for Distal myopathy with posterior leg and anterior hand involvement; Myofibrillar myopathy 5; Hypertrophic cardiomyopathy 26. Last evaluated: 2023-06-01. Review status: criteria provided, single submitter. Criteria: Invitae Variant Classification Sherloc (09022015). Collection method: clinical testing. Allele origin: germline.
Comment: Advanced modeling of protein sequence and biophysical properties (such as structural, functional, and spatial information, amino acid conservation, physicochemical variation, residue mobility, and thermodynamic stability) has been performed at Invitae for this missense variant, however the output from this modeling did not meet the statistical confidence thresholds required to predict the impact of this variant on FLNC protein function. In summary, the available evidence is currently insufficient to determine the role of this variant in disease. Therefore, it has been classified as a Variant of Uncertain Significance. ClinVar contains an entry for this variant (Variation ID: 539358). This variant has not been reported in the literature in individuals affected with FLNC-related conditions. This variant is not present in population databases (gnomAD no frequency). This sequence change replaces serine, which is neutral and polar, with phenylalanine, which is neutral and non-polar, at codon 101 of the FLNC protein (p.Ser101Phe).

NM_001458.5(FLNC):c.302C>T (p.Ser101Phe)

Gene: FLNC (filamin C; plus strand). Cytogenetic location: 7q32.1.
Variant type: single nucleotide variant.
Coding change: c.302C>T on transcript NM_001458.5 (MANE Select); coding-DNA position 302, C replaced by T.
Protein change: p.Ser101Phe; replaces serine 101 with phenylalanine.
Molecular consequence: missense variant.
Genome position (GRCh38, 1-based): chr7:128,830,939, C>T. VCF-style: chr7-128830939-C-T. GRCh37 (hg19) VCF-style: chr7-128470993-C-T.
Other names: c.302C>T, p.Ser101Phe (NM_001127487.2); short protein forms S101F.
Identifiers: ClinVar variation 539358 (VCV000539358.9), dbSNP rs1554396416, ClinGen allele CA369216950.
Genomic context (GRCh38, chr7:128,830,939, plus strand): 5'-GCATGTACCGCAAGTTCCATCCGCGCCCCAACTTCCGCCAAATGAAGCTGGAGAACGTGT[C>T]CGTGGCCCTCGAGTTCCTCGAGCGCGAGCACATCAAGCTCGTGTCCATAGGTCAGTGCCG-3'
Protein context (NP_001449.3, residues 91-111): NFRQMKLENV[Ser101Phe]VALEFLEREH